The following is an entry in ClinVar:

ClinVar aggregate classification (germline): Benign (1 of 4 stars; one submission).

Allele frequency attached by ClinVar (database versions not stated): gnomAD exomes 0.00550; gnomAD 0.04347 and 0.04690; TOPMed 0.04910; 1000 Genomes Project 0.05052; 1000 Genomes Project 30x 0.05403.
gnomAD v4.1: 8,054 of 414,964 alleles (1.9%); highest among the groups gnomAD compares: African/African-American, 15%; 532 homozygotes.

Submission:

GeneDx
Classification: Benign. Last evaluated: 2018-06-18. Review status: criteria provided, single submitter. Criteria: GeneDx Variant Classification (06012015). Collection method: clinical testing. Allele origin: germline. Affected: yes.
Comment: This variant is considered likely benign or benign based on one or more of the following criteria: it is a conservative change, it occurs at a poorly conserved position in the protein, it is predicted to be benign by multiple in silico algorithms, and/or has population frequency not consistent with disease.

NM_004415.4(DSP):c.939+299C>T

Gene: DSP (desmoplakin; plus strand). Cytogenetic location: 6p24.3.
Variant type: single nucleotide variant.
Coding change: c.939+299C>T on transcript NM_004415.4 (MANE Select); 299 bases into the intron after coding-DNA position 939, C replaced by T.
Molecular consequence: intron variant.
Genome position (GRCh38, 1-based): chr6:7,565,819, C>T. VCF-style: chr6-7565819-C-T. GRCh37 (hg19) VCF-style: chr6-7566052-C-T.
Other names: c.939+299C>T (NM_001319034.2, NM_001008844.3).
Identifiers: ClinVar variation 669929 (VCV000669929.1), dbSNP rs7740930, ClinGen allele CA133954942.